The following is an entry in ClinVar:

NM_017763.6(RNF43):c.376-13dup

Gene: RNF43 (ring finger protein 43; minus strand). Cytogenetic location: 17q22.
Variant type: Duplication.
Coding change: c.376-13dup on transcript NM_017763.6 (MANE Select); 13 bases into the intron before coding-DNA position 376, one base duplicated (T; older notation c.376-13dupT).
Molecular consequence: intron variant.
Genome position (GRCh38, 1-based): chr17:58,363,613, A duplicated on the plus strand (T on the coding strand, the reverse complement: RNF43 is on the minus strand). VCF-style (leftmost placement, unchanged base first): chr17-58363612-C-CA. GRCh37 (hg19) VCF-style: chr17-56440973-C-CA.
Other names: c.376-13dup (NM_001438822.1, NM_001305544.3, NM_001438820.1 and 1 more transcripts); c.-6-13dup (NM_001305545.2, NM_001437987.1).
Identifiers: ClinVar variation 2902628 (VCV002902628.4), dbSNP rs1388850627, ClinGen allele CA773540146.
Genomic context (GRCh38, chr17:58,363,612, plus strand): 5'-TGATGTCAAAGAGGACAGCACTGGCTCCTCGCTCACCCGCCATCCGAGCCTGCAGAGGCA[C>CA]ACAGTAGAGGTTGGGCTGAGGTCAGGGAAGGACAGAGCCCACCCACAGGCTAGCCTCACC-3'

ClinVar aggregate classification (germline): Likely benign. Review status: criteria provided, multiple submitters, no conflicts (2 of 4 stars). 2 submissions from 2 submitters: Likely benign (2). Last evaluated 2026-06-26.

Conditions:
Sessile serrated polyposis cancer syndrome (SSPCS). Identifiers: Orphanet 157798, MedGen C4310714, MONDO:0014919, OMIM 617108.

Allele frequency attached by ClinVar (database versions not stated): gnomAD exomes 0.00001; gnomAD 0.00001; TOPMed 0.00001.

Submissions (2):

Myriad Genetics, Inc.
Classification: Likely benign for Sessile serrated polyposis cancer syndrome. Last evaluated: 2026-06-26. Review status: criteria provided, single submitter. Criteria: Myriad Autosomal Dominant, Autosomal Recessive and X-Linked Classification Criteria (2023). Collection method: clinical testing. Allele origin: unknown.
Comment: This variant is considered likely benign. This variant is intronic and is not expected to impact mRNA splicing.

Labcorp Genetics (formerly Invitae), Labcorp
Classification: Likely benign. Last evaluated: 2023-05-26. Review status: criteria provided, single submitter. Criteria: Invitae Variant Classification Sherloc (09022015). Collection method: clinical testing. Allele origin: germline.